The following is an entry in ClinVar:

NM_001256715.2(DNAAF3):c.755A>G (p.Asn252Ser)

Genes: DNAAF3 (dynein axonemal assembly factor 3; minus strand), DNAAF3-AS1 (DNAAF3 antisense RNA 1; plus strand). Cytogenetic location: 19q13.42.
Variant type: single nucleotide variant.
Coding change: c.755A>G on transcript NM_001256715.2 (MANE Select); coding-DNA position 755, A replaced by G.
Protein change: p.Asn252Ser; replaces asparagine 252 with serine.
Molecular consequence: missense variant.
Genome position (GRCh38, 1-based): chr19:55,161,327, T>C on the plus strand (A>G on the coding strand, the complement: DNAAF3 is on the minus strand). VCF-style: chr19-55161327-T-C. GRCh37 (hg19) VCF-style: chr19-55672695-T-C.
Other names: c.593A>G, p.Asn198Ser (NM_001256716.2); c.896A>G, p.Asn299Ser (NM_178837.4); c.959A>G, p.Asn320Ser (NM_001256714.1); short protein forms N320S, N299S, N198S, N252S.
Identifiers: ClinVar variation 410287 (VCV000410287.10), dbSNP rs757536895, ClinGen allele CA9668082.
Genomic context (GRCh38, chr19:55,161,327, plus strand): 5'-GGCCAGGACAGGCAGTGGACACGCACGTAGCTCAGGAGGCGACCGGACGCCAGGGTCCGG[T>C]TGGGCACATGATAGGCGCTGGAGTCCCTGAGTTCAAAGGCGACGCCTGTGTCCCGCCAGC-3'
Protein context (NP_001243644.1, residues 242-262): LRDSSAYHVP[Asn252Ser]RTLASGRLLS

ClinVar aggregate classification (germline): Pathogenic/Likely pathogenic. Review status: criteria provided, multiple submitters, no conflicts (2 of 4 stars). 2 submissions from 2 submitters: Pathogenic (1); Likely pathogenic (1). Last evaluated 2025-09-03.

Conditions:
Primary ciliary dyskinesia 2. Also called: CILIARY DYSKINESIA, PRIMARY, 2, WITH OR WITHOUT SITUS INVERSUS. Identifiers: Orphanet 244, MedGen C1847554, MONDO:0011718, OMIM 606763.
Primary ciliary dyskinesia. Also called: Ciliary dyskinesia. Identifiers: Orphanet 244, MedGen C0008780, MONDO:0016575, HP:0012265.

Allele frequency attached by ClinVar (database versions not stated): gnomAD 0.00001 and 0.00002; TOPMed 0.00002; gnomAD exomes 0.00003 and 0.00004; ExAC 0.00004.
gnomAD v4.1: 59 of 1,609,112 alleles (0.0037%); highest among the groups gnomAD compares: Non-Finnish European, 0.0042%; no homozygotes.

Submissions (2):

First Genomix Gene Laboratory, Genetic Diagnostics Department
Classification: Likely pathogenic for Primary ciliary dyskinesia 2. Last evaluated: 2025-09-03. Review status: criteria provided, single submitter. Criteria: ACMG Guidelines, 2015. Collection method: clinical testing. Allele origin: germline. Inheritance: Autosomal recessive inheritance. Affected: no. Observed: 1 variant allele.

Labcorp Genetics (formerly Invitae), Labcorp
Classification: Pathogenic for Primary ciliary dyskinesia. Last evaluated: 2024-03-16. Review status: criteria provided, single submitter. Criteria: Invitae Variant Classification Sherloc (09022015). Collection method: clinical testing. Allele origin: germline.
Comment: This sequence change replaces asparagine, which is neutral and polar, with serine, which is neutral and polar, at codon 320 of the DNAAF3 protein (p.Asn320Ser). This variant is present in population databases (rs757536895, gnomAD 0.009%). This missense change has been observed in individual(s) with primary ciliary dyskinesia (PMID: 31772028; Invitae). This variant is also known as c.896A>G, Asn299Ser. ClinVar contains an entry for this variant (Variation ID: 410287). Advanced modeling of protein sequence and biophysical properties (such as structural, functional, and spatial information, amino acid conservation, physicochemical variation, residue mobility, and thermodynamic stability) performed at Invitae indicates that this missense variant is expected to disrupt DNAAF3 protein function with a positive predictive value of 80%. For these reasons, this variant has been classified as Pathogenic.

Literature cited by the submitters: PubMed 31772028 (cited by Labcorp Genetics (formerly Invitae), Labcorp).